The following is an entry in ClinVar:

NM_000540.3(RYR1):c.9805G>C (p.Val3269Leu)

Gene: RYR1 (ryanodine receptor 1; plus strand). Cytogenetic location: 19q13.2.
Variant type: single nucleotide variant.
Coding change: c.9805G>C on transcript NM_000540.3 (MANE Select); coding-DNA position 9805, G replaced by C.
Protein change: p.Val3269Leu; replaces valine 3269 with leucine.
Molecular consequence: missense variant.
Genome position (GRCh38, 1-based): chr19:38,517,478, G>C. VCF-style: chr19-38517478-G-C. GRCh37 (hg19) VCF-style: chr19-39008118-G-C.
Other names: c.9805G>C, p.Val3269Leu (NM_001042723.2); short protein forms V3269L.
Identifiers: ClinVar variation 3636240 (VCV003636240.2).

ClinVar aggregate classification (germline): Uncertain significance (1 of 4 stars; one submission).

Conditions:
RYR1-related disorder. Also called: RYR1-related condition; RYR1-related disorders. Identifiers: MedGen CN239331.

gnomAD v4.1: 2 of 1,614,112 alleles (0.00012%); highest among the groups gnomAD compares: Non-Finnish European, 0.00017%; no homozygotes.

Submission:

Labcorp Genetics (formerly Invitae), Labcorp
Classification: Uncertain significance for RYR1-related disorder. Last evaluated: 2024-10-03. Review status: criteria provided, single submitter. Criteria: Invitae Variant Classification Sherloc (09022015). Collection method: clinical testing. Allele origin: germline.
Comment: This sequence change replaces valine, which is neutral and non-polar, with leucine, which is neutral and non-polar, at codon 3269 of the RYR1 protein (p.Val3269Leu). This variant is not present in population databases (gnomAD no frequency). This variant has not been reported in the literature in individuals affected with RYR1-related conditions. Invitae Evidence Modeling of protein sequence and biophysical properties (such as structural, functional, and spatial information, amino acid conservation, physicochemical variation, residue mobility, and thermodynamic stability) indicates that this missense variant is expected to disrupt RYR1 protein function with a positive predictive value of 80%. In summary, the available evidence is currently insufficient to determine the role of this variant in disease. Therefore, it has been classified as a Variant of Uncertain Significance.